The following is an entry in ClinVar:

NM_058216.3(RAD51C):c.444dup (p.Gly149fs)

Gene: RAD51C (RAD51 paralog C; plus strand). Cytogenetic location: 17q22.
Variant type: Duplication.
Coding change: c.444dup on transcript NM_058216.3 (MANE Select); coding-DNA position 444, one base duplicated (T; older notation c.444dupT).
Protein change: p.Gly149fs; shifts the reading frame from glycine 149.
Molecular consequence: frameshift variant.
Genome position (GRCh38, 1-based): chr17:58,696,732, T duplicated; the last of 4 consecutive T bases (chr17:58,696,729-58,696,732); duplicating any one gives the same sequence. VCF-style (leftmost placement, unchanged base first): chr17-58696728-G-GT. GRCh37 (hg19) VCF-style: chr17-56774089-G-GT.
Other names: c.444dupT (NM_058216.1); short protein forms G149fs.
Identifiers: ClinVar variation 1453563 (VCV001453563.7), dbSNP rs1555594617, ClinGen allele CA2267816168.

ClinVar aggregate classification (germline): Pathogenic. Review status: criteria provided, multiple submitters, no conflicts (2 of 4 stars). 3 submissions from 3 submitters: Pathogenic (3). Last evaluated 2024-07-30.

Conditions:
Breast-ovarian cancer, familial, susceptibility to, 3. Also called: RAD51C-Related Breast/Ovarian Cancer. Identifiers: Orphanet 145, MedGen C3150659, MONDO:0013253, OMIM 613399.
Hereditary cancer-predisposing syndrome. Also called: Hereditary Cancer Syndrome; Hereditary neoplastic syndrome; Tumor predisposition; Neoplastic Syndromes, Hereditary. Identifiers: Orphanet 140162, MedGen C0027672, MeSH D009386, MONDO:0015356.
Fanconi anemia complementation group O. Also called: RAD51C-Related Fanconi Anemia. Identifiers: Orphanet 84, MedGen C3150653, MONDO:0013248, OMIM 613390.

Submissions (3):

Labcorp Genetics (formerly Invitae), Labcorp
Classification: Pathogenic for Fanconi anemia complementation group O. Last evaluated: 2024-07-30. Review status: criteria provided, single submitter. Criteria: Invitae Variant Classification Sherloc (09022015). Collection method: clinical testing. Allele origin: germline.
Comment: This sequence change creates a premature translational stop signal (p.Gly149Trpfs*6) in the RAD51C gene. It is expected to result in an absent or disrupted protein product. Loss-of-function variants in RAD51C are known to be pathogenic (PMID: 20400964, 21990120, 24800917, 29278735). This variant is not present in population databases (gnomAD no frequency). This variant has not been reported in the literature in individuals affected with RAD51C-related conditions. ClinVar contains an entry for this variant (Variation ID: 1453563). For these reasons, this variant has been classified as Pathogenic.

Myriad Genetics, Inc.
Classification: Pathogenic for Breast-ovarian cancer, familial, susceptibility to, 3. Last evaluated: 2024-01-02. Review status: criteria provided, single submitter. Criteria: Myriad Autosomal Dominant, Autosomal Recessive and X-Linked Classification Criteria (2023). Collection method: clinical testing. Allele origin: unknown.
Comment: This variant is considered pathogenic. This variant creates a frameshift predicted to result in premature protein truncation.

Ambry Genetics
Classification: Pathogenic for Hereditary cancer-predisposing syndrome. Last evaluated: 2022-12-12. Review status: criteria provided, single submitter. Criteria: Ambry Variant Classification Scheme 2023. Collection method: clinical testing. Allele origin: germline.
Comment: The c.444dupT pathogenic mutation, located in coding exon 3 of the RAD51C gene, results from a duplication of T at nucleotide position 444, causing a translational frameshift with a predicted alternate stop codon (p.G149Wfs*6). This variant is considered to be rare based on population cohorts in the Genome Aggregation Database (gnomAD). This alteration is expected to result in loss of function by premature protein truncation or nonsense-mediated mRNA decay. As such, this alteration is interpreted as a disease-causing mutation.

Literature cited by the submitters: PubMed 20400964 (cited by Labcorp Genetics (formerly Invitae), Labcorp); PubMed 21990120 (cited by Labcorp Genetics (formerly Invitae), Labcorp); PubMed 24800917 (cited by Labcorp Genetics (formerly Invitae), Labcorp); PubMed 29278735 (cited by Labcorp Genetics (formerly Invitae), Labcorp).